The following is an entry in ClinVar:

ClinVar aggregate classification (germline): Benign. Review status: criteria provided, multiple submitters, no conflicts (2 of 4 stars). 2 submissions from 2 submitters: Benign (2). Last evaluated 2013-09-05.

Allele frequency attached by ClinVar (database versions not stated): 1000 Genomes Project 0.39497; 1000 Genomes Project 30x 0.39663; TOPMed 0.47170; gnomAD 0.48373; ESP Exome Variant Server 0.50331.
gnomAD v4.1: 906,862 of 1,613,740 alleles (56%); highest among the groups gnomAD compares: Non-Finnish European, 60%; 262,050 homozygotes.

Submissions (2):

GeneDx
Classification: Benign. Last evaluated: 2013-09-05. Review status: criteria provided, single submitter. Criteria: GeneDx Variant Classification (06012015). Collection method: clinical testing. Allele origin: germline. Affected: yes.
Comment: This variant is considered likely benign or benign based on one or more of the following criteria: it is a conservative change, it occurs at a poorly conserved position in the protein, it is predicted to be benign by multiple in silico algorithms, and/or has population frequency not consistent with disease.

Breakthrough Genomics
Classification: Benign. Review status: criteria provided, single submitter. Criteria: ACMG Guidelines, 2015. Collection method: not provided. Allele origin: germline. Inheritance: Unknown mechanism. Affected: yes.

NM_000692.5(ALDH1B1):c.320G>T (p.Arg107Leu)

Gene: ALDH1B1 (aldehyde dehydrogenase 1 family member B1; plus strand). Cytogenetic location: 9p13.1.
Variant type: single nucleotide variant.
Coding change: c.320G>T on transcript NM_000692.5 (MANE Select); coding-DNA position 320, G replaced by T.
Protein change: p.Arg107Leu; replaces arginine 107 with leucine.
Molecular consequence: missense variant.
Genome position (GRCh38, 1-based): chr9:38,396,068, G>T. VCF-style: chr9-38396068-G-T. GRCh37 (hg19) VCF-style: chr9-38396065-G-T.
Other names: p.R107L:CGC>CTC; short protein forms R107L.
Identifiers: ClinVar variation 136362 (VCV000136362.2), dbSNP rs2073478, ClinGen allele CA289392.
Genomic context (GRCh38, chr9:38,396,068, plus strand): 5'-TCCGCCTGGGGTCCCCATGGCGCCGGATGGATGCCTCTGAGCGGGGCCGGCTGCTGAACC[G>T]CCTGGCAGACCTAGTGGAGCGGGATCGAGTCTACTTGGCCTCACTCGAGACCTTGGACAA-3'
Protein context (NP_000683.3, residues 97-117): DASERGRLLN[Arg107Leu]LADLVERDRV